The following is an entry in ClinVar:

NM_001330078.2(NRXN1):c.1796C>G (p.Thr599Ser)

Gene: NRXN1 (neurexin 1; minus strand). Cytogenetic location: 2p16.3.
Variant type: single nucleotide variant.
Coding change: c.1796C>G on transcript NM_001330078.2 (MANE Select); coding-DNA position 1796, C replaced by G.
Protein change: p.Thr599Ser; replaces threonine 599 with serine.
Molecular consequence: missense variant.
Genome position (GRCh38, 1-based): chr2:50,538,600, G>C on the plus strand (C>G on the coding strand, the complement: NRXN1 is on the minus strand). VCF-style: chr2-50538600-G-C. GRCh37 (hg19) VCF-style: chr2-50765738-G-C.
Other names: c.1916C>G, p.Thr639Ser (NM_001135659.3); c.1772C>G, p.Thr591Ser (NM_001330077.2, NM_001330082.2, NM_001330095.2); c.1757C>G, p.Thr586Ser (NM_001330083.2, NM_001330084.2); c.1796C>G, p.Thr599Ser (NM_001330085.2, NM_001330086.2, NM_004801.6); c.1712C>G, p.Thr571Ser (NM_001330087.2, NM_001330096.2); c.1742C>G, p.Thr581Ser (NM_001330088.2); c.1793C>G, p.Thr598Ser (NM_001330093.2); c.1784C>G, p.Thr595Ser (NM_001330094.2); short protein forms T639S, T571S, T581S, T598S, T599S, T586S, T591S, T595S.
Identifiers: ClinVar variation 574501 (VCV000574501.8), dbSNP rs1558902953, ClinGen allele CA346771407.
Genomic context (GRCh38, chr2:50,538,600, plus strand): 5'-GGCAGCCCCCCCAGGTACAACTCATCATCCAGGTCCAGAATCTCACTCTCACCAGGAGCA[G>C]TGTAGGGAGTACGCAACGTGTTGACAGAAATGGTACCTATTTCAAAGAGAGGAGAATGCA-3'
Protein context (NP_001317007.1, residues 589-609): ISVNTLRTPY[Thr599Ser]APGESEILDL

ClinVar aggregate classification (germline): Uncertain significance (1 of 4 stars; one submission).

Conditions:
Pitt-Hopkins-like syndrome 2 (PTHSL2). Identifiers: Orphanet 221150, Orphanet 600663, MedGen C3280479, MONDO:0013690, OMIM 614325.

Submission:

Labcorp Genetics (formerly Invitae), Labcorp
Classification: Uncertain significance for Pitt-Hopkins-like syndrome 2. Last evaluated: 2018-05-24. Review status: criteria provided, single submitter. Criteria: Invitae Variant Classification Sherloc (09022015). Collection method: clinical testing. Allele origin: germline.
Comment: Algorithms developed to predict the effect of sequence changes on RNA splicing suggest that this variant may create or strengthen a splice site, but this prediction has not been confirmed by published transcriptional studies. In summary, the available evidence is currently insufficient to determine the role of this variant in disease. Therefore, it has been classified as a Variant of Uncertain Significance. Algorithms developed to predict the effect of missense changes on protein structure and function (SIFT, PolyPhen-2, Align-GVGD) all suggest that this variant is likely to be tolerated, but these predictions have not been confirmed by published functional studies and their clinical significance is uncertain. This variant has not been reported in the literature in individuals with NRXN1-related disease. This variant is not present in population databases (ExAC no frequency). This sequence change replaces threonine with serine at codon 639 of the NRXN1 protein (p.Thr639Ser). The threonine residue is highly conserved and there is a small physicochemical difference between threonine and serine.